The following is an entry in ClinVar:

ClinVar aggregate classification (germline): Uncertain significance (1 of 4 stars; one submission).

Submission:

GeneDx
Classification: Uncertain significance. Last evaluated: 2019-07-25. Review status: criteria provided, single submitter. Criteria: GeneDx Variant Classification Process June 2021. Collection method: clinical testing. Allele origin: germline. Affected: yes.
Comment: Not observed in large population cohorts (Lek et al., 2016); In silico analysis, which includes protein predictors and evolutionary conservation, supports that this variant does not alter protein structure/function; Has not been previously published as pathogenic or benign to our knowledge

NM_007327.4(GRIN1):c.2560G>T (p.Ala854Ser)

Gene: GRIN1 (glutamate ionotropic receptor NMDA type subunit 1; plus strand). Cytogenetic location: 9q34.3.
Variant type: single nucleotide variant.
Coding change: c.2560G>T on transcript NM_007327.4 (MANE Select); coding-DNA position 2560, G replaced by T.
Protein change: p.Ala854Ser; replaces alanine 854 with serine.
Molecular consequence: missense variant.
Genome position (GRCh38, 1-based): chr9:137,163,875, G>T. VCF-style: chr9-137163875-G-T. GRCh37 (hg19) VCF-style: chr9-140058327-G-T.
Other names: c.2560G>T, p.Ala854Ser (NM_000832.7, NM_021569.4); c.2623G>T, p.Ala875Ser (NM_001185090.2, NM_001185091.2); short protein forms A854S, A875S.
Identifiers: ClinVar variation 1181491 (VCV001181491.2), dbSNP rs2131303448, ClinGen allele CA375726873.